The following is an entry in ClinVar:

ClinVar aggregate classification (germline): Uncertain significance (1 of 4 stars; one submission).

Submission:

Labcorp Genetics (formerly Invitae), Labcorp
Classification: Uncertain significance. Last evaluated: 2023-02-06. Review status: criteria provided, single submitter. Criteria: Invitae Variant Classification Sherloc (09022015). Collection method: clinical testing. Allele origin: germline.
Comment: This sequence change replaces proline, which is neutral and non-polar, with arginine, which is basic and polar, at codon 41 of the GRIN2D protein (p.Pro41Arg). The frequency data for this variant in the population databases is considered unreliable, as metrics indicate insufficient coverage at this position in the gnomAD database. This variant has not been reported in the literature in individuals affected with GRIN2D-related conditions. Advanced modeling of protein sequence and biophysical properties (such as structural, functional, and spatial information, amino acid conservation, physicochemical variation, residue mobility, and thermodynamic stability) performed at Invitae indicates that this missense variant is not expected to disrupt GRIN2D protein function. In summary, the available evidence is currently insufficient to determine the role of this variant in disease. Therefore, it has been classified as a Variant of Uncertain Significance.

NM_000836.4(GRIN2D):c.122C>G (p.Pro41Arg)

Genes: GRIN2D (glutamate ionotropic receptor NMDA type subunit 2D; plus strand), LOC130064855 (ATAC-STARR-seq lymphoblastoid silent region 10879; plus strand). Cytogenetic location: 19q13.33.
Variant type: single nucleotide variant.
Coding change: c.122C>G on transcript NM_000836.4 (MANE Select); coding-DNA position 122, C replaced by G.
Protein change: p.Pro41Arg; replaces proline 41 with arginine.
Molecular consequence: missense variant.
Genome position (GRCh38, 1-based): chr19:48,398,514, C>G. VCF-style: chr19-48398514-C-G. GRCh37 (hg19) VCF-style: chr19-48901771-C-G.
Other names: short protein forms P41R.
Identifiers: ClinVar variation 2832677 (VCV002832677.3), dbSNP rs2516061880, ClinGen allele CA406688330.
Genomic context (GRCh38, chr19:48,398,514, plus strand): 5'-CGCTGGCCTGCGCCAGCCCGTTCCCGGAGGAGGCGCCGGGGCCGGGCGGGGCCGGTGGGC[C>G]CGGCGGCGGCCTCGGCGGGGCGCGGCCGCTCAACGTGGCGCTCGTGTTCTCGGGGCCCGC-3'
Protein context (NP_000827.2, residues 31-51): EAPGPGGAGG[Pro41Arg]GGGLGGARPL